The following is an entry in ClinVar:

NM_000135.4(FANCA):c.2317-8C>T

Gene: FANCA (FA complementation group A; minus strand). Cytogenetic location: 16q24.3.
Variant type: single nucleotide variant.
Coding change: c.2317-8C>T on transcript NM_000135.4 (MANE Select); 8 bases into the intron before coding-DNA position 2317, C replaced by T.
Molecular consequence: intron variant.
Genome position (GRCh38, 1-based): chr16:89,770,032, G>A on the plus strand (C>T on the coding strand, the complement: FANCA is on the minus strand). VCF-style: chr16-89770032-G-A. GRCh37 (hg19) VCF-style: chr16-89836440-G-A.
Other names: c.2317-8C>T (NM_001286167.3, LRG_495t1, NM_000135.3).
Identifiers: ClinVar variation 456095 (VCV000456095.21), dbSNP rs753766357, ClinGen allele CA8251760.

ClinVar aggregate classification (germline): Likely benign. Review status: criteria provided, multiple submitters, no conflicts (2 of 4 stars). 6 submissions from 6 submitters: Likely benign (5). 1 of the submissions does not count toward it. Last evaluated 2025-12-13.

Conditions:
FANCA-related disorder. Also called: FANCA-related condition.
Fanconi anemia (FA). Also called: Fanconi's anemia. Identifiers: Orphanet 84, MedGen C0015625, MeSH D005199, MONDO:0019391.
Fanconi anemia complementation group A (FANCA). Also called: Fanconi anemia, group A; FANCA-Related Fanconi Anemia. Identifiers: Orphanet 84, MedGen C3469521, MONDO:0009215, OMIM 227650.

Allele frequency attached by ClinVar (database versions not stated): gnomAD 0.00005; gnomAD exomes 0.00005 and 0.00006; ExAC 0.00006; TOPMed 0.00009.
gnomAD v4.1: 98 of 1,612,602 alleles (0.0061%); highest among the groups gnomAD compares: Middle Eastern, 0.17%; 1 homozygote.

Submissions (6):

Labcorp Genetics (formerly Invitae), Labcorp
Classification: Likely benign for Fanconi anemia. Last evaluated: 2025-12-13. Review status: criteria provided, single submitter. Criteria: Invitae Variant Classification Sherloc (09022015). Collection method: clinical testing. Allele origin: germline.

Quest Diagnostics Nichols Institute San Juan Capistrano
Classification: Likely benign. Last evaluated: 2025-07-22. Review status: criteria provided, single submitter. Criteria: Quest Diagnostics criteria. Collection method: clinical testing. Allele origin: unknown.

Blueprint Genetics
Classification: Likely benign. Last evaluated: 2024-10-16. Review status: criteria provided, single submitter. Criteria: ACMG Guidelines, 2015. Collection method: clinical testing. Allele origin: germline.

Fulgent Genetics
Classification: Likely benign for Fanconi anemia complementation group A. Last evaluated: 2022-05-03. Review status: criteria provided, single submitter. Criteria: ACMG Guidelines, 2015. Collection method: clinical testing. Allele origin: unknown.

Genetic Services Laboratory, University of Chicago
Classification: Likely benign. Last evaluated: 2019-08-02. Review status: criteria provided, single submitter. Criteria: ACMG Guidelines, 2015. Collection method: clinical testing. Allele origin: germline. Affected: no.

PreventionGenetics, part of Exact Sciences
Classification: Likely benign for FANCA-related condition. Last evaluated: 2019-11-18. Review status: no assertion criteria provided. Collection method: clinical testing. Allele origin: germline. Not counted in ClinVar's aggregate classification.
Comment: This variant is classified as likely benign based on ACMG/AMP sequence variant interpretation guidelines (Richards et al. 2015 PMID: 25741868, with internal and published modifications).